The following is an entry in ClinVar:

NM_000444.6(PHEX):c.2238C>A (p.Cys746Ter)

Genes: PHEX (phosphate regulating endopeptidase X-linked; plus strand), PTCHD1-AS (PTCHD1 and PHEX antisense RNA; minus strand). Cytogenetic location: Xp22.11.
Variant type: single nucleotide variant.
Coding change: c.2238C>A on transcript NM_000444.6 (MANE Select); coding-DNA position 2238, C replaced by A.
Protein change: p.Cys746Ter; replaces cysteine 746 with a stop codon.
Molecular consequence: nonsense. On other transcripts: 3 prime UTR variant (1).
Genome position (GRCh38, 1-based): chrX:22,247,941, C>A. VCF-style: chrX-22247941-C-A. GRCh37 (hg19) VCF-style: chrX-22266058-C-A.
Other names: c.*73C>A (NM_001282754.2); short protein forms C746*.
Identifiers: ClinVar variation 2737130 (VCV002737130.3), dbSNP rs2518714051, ClinGen allele CA412575553.

ClinVar aggregate classification (germline): Pathogenic (1 of 4 stars; one submission).

Submission:

Labcorp Genetics (formerly Invitae), Labcorp
Classification: Pathogenic. Last evaluated: 2022-12-30. Review status: criteria provided, single submitter. Criteria: Invitae Variant Classification Sherloc (09022015). Collection method: clinical testing. Allele origin: germline.
Comment: For these reasons, this variant has been classified as Pathogenic. This variant disrupts a region of the PHEX protein in which other variant(s) (p.Arg747*) have been determined to be pathogenic (PMID: 9199930, 9768674). This suggests that this is a clinically significant region of the protein, and that variants that disrupt it are likely to be disease-causing. This premature translational stop signal has been observed in individual(s) with hypophosphatemic rickets (PMID: 11502829). This variant is not present in population databases (gnomAD no frequency). This sequence change creates a premature translational stop signal (p.Cys746*) in the PHEX gene. While this is not anticipated to result in nonsense mediated decay, it is expected to disrupt the last 4 amino acid(s) of the PHEX protein.

Literature cited by the submitters: PubMed 9199930; PubMed 9768674; PubMed 11502829.